The following is an entry in ClinVar:

NM_000548.5(TSC2):c.2795G>T (p.Ser932Ile)

Gene: TSC2 (TSC complex subunit 2; plus strand). Cytogenetic location: 16p13.3.
Variant type: single nucleotide variant.
Coding change: c.2795G>T on transcript NM_000548.5 (MANE Select); coding-DNA position 2795, G replaced by T.
Protein change: p.Ser932Ile; replaces serine 932 with isoleucine.
Molecular consequence: missense variant. On other transcripts: non-coding transcript variant (5).
Genome position (GRCh38, 1-based): chr16:2,076,543, G>T. VCF-style: chr16-2076543-G-T. GRCh37 (hg19) VCF-style: chr16-2126544-G-T.
Other names: c.2795G>T, p.Ser932Ile (NM_001077183.3, NM_001114382.3, NM_001363528.2 and 6 more transcripts); c.2684G>T, p.Ser895Ile (NM_001318827.2, NM_001406670.1, NM_001406678.1); c.2648G>T, p.Ser883Ile (NM_001318829.2, NM_001406675.1, NM_001406676.1 and 1 more transcripts); c.2195G>T, p.Ser732Ile (NM_001318831.2, NM_001406680.1, NM_001406682.1 and 6 more transcripts); c.2828G>T, p.Ser943Ile (NM_001318832.2); c.2885G>T, p.Ser962Ile (NM_001406667.1, NM_001406668.1); c.2783G>T, p.Ser928Ile (NM_001406671.1, NM_001406673.1); c.2738G>T, p.Ser913Ile (NM_001406677.1); and 3 more; short protein forms S398I, S484I, S732I, S778I, S883I, S895I, S913I, S928I.
Identifiers: ClinVar variation 3232125 (VCV003232125.1), dbSNP rs397515138, ClinGen allele CA394280049.
Genomic context (GRCh38, chr16:2,076,543, plus strand): 5'-TCTGCCAGGGCCTGCGGTCCAATGTCCTCTTGTCTTTTGATGACACCCCCGAGAAGGACA[G>T]CTTCAGGGCCCGGAGTACTAGTCTCAACGAGAGACCCAAGAGGTACGGCCTGCGGGGGTG-3'
Protein context (NP_000539.2, residues 922-942): LSFDDTPEKD[Ser932Ile]FRARSTSLNE

ClinVar aggregate classification (germline): Uncertain significance (1 of 4 stars; one submission).

Conditions:
Hereditary cancer-predisposing syndrome. Also called: Neoplastic Syndromes, Hereditary; Tumor predisposition; Hereditary neoplastic syndrome; Hereditary Cancer Syndrome. Identifiers: Orphanet 140162, MedGen C0027672, MeSH D009386, MONDO:0015356.

Submission:

Ambry Genetics
Classification: Uncertain significance for Hereditary cancer-predisposing syndrome. Last evaluated: 2023-12-07. Review status: criteria provided, single submitter. Criteria: Ambry Variant Classification Scheme 2023. Collection method: clinical testing. Allele origin: germline.
Comment: The p.S932I variant (also known as c.2795G>T), located in coding exon 24 of the TSC2 gene, results from a G to T substitution at nucleotide position 2795. The serine at codon 932 is replaced by isoleucine, an amino acid with dissimilar properties. This amino acid position is conserved. In addition, this alteration is predicted to be deleterious by in silico analysis. Since supporting evidence is limited at this time, the clinical significance of this alteration remains unclear.